The following is an entry in ClinVar:

NM_000811.3(GABRA6):c.847A>G (p.Met283Val)

Gene: GABRA6 (gamma-aminobutyric acid type A receptor subunit alpha6; plus strand). Cytogenetic location: 5q34.
Variant type: single nucleotide variant.
Coding change: c.847A>G on transcript NM_000811.3 (MANE Select); coding-DNA position 847, A replaced by G.
Protein change: p.Met283Val; replaces methionine 283 with valine.
Molecular consequence: missense variant.
Genome position (GRCh38, 1-based): chr5:161,691,961, A>G. VCF-style: chr5-161691961-A-G. GRCh37 (hg19) VCF-style: chr5-161118967-A-G.
Other names: short protein forms M283V.
Identifiers: ClinVar variation 477870 (VCV000477870.8), dbSNP rs1554115829, ClinGen allele CA362177372.

ClinVar aggregate classification (germline): Uncertain significance (1 of 4 stars; one submission).

Conditions:
Childhood absence epilepsy. Identifiers: Orphanet 64280, MedGen C4281785, MONDO:0010826.

Allele frequency attached by ClinVar (database versions not stated): gnomAD exomes 0.00001.
gnomAD v4.1: 15 of 1,614,000 alleles (0.00093%); highest among the groups gnomAD compares: Non-Finnish European, 0.0013%; no homozygotes.

Submission:

Labcorp Genetics (formerly Invitae), Labcorp
Classification: Uncertain significance for Childhood absence epilepsy. Last evaluated: 2017-03-13. Review status: criteria provided, single submitter. Criteria: Invitae Variant Classification Sherloc (09022015). Collection method: clinical testing. Allele origin: germline.
Comment: In summary, this variant is a novel missense change with uncertain impact on protein function. It has been classified as a Variant of Uncertain Significance. Algorithms developed to predict the effect of missense changes on protein structure and function do not agree on the potential impact of this missense change (SIFT: "Deleterious"; PolyPhen-2: "Possibly Damaging"; Align-GVGD: "Class C0"). This variant is not present in population databases (ExAC no frequency) and has not been reported in the literature in individuals with a GABRA6-related disease. This sequence change replaces methionine with valine at codon 283 of the GABRA6 protein (p.Met283Val). The methionine residue is highly conserved and there is a small physicochemical difference between methionine and valine.